The following is an entry in ClinVar:

NM_000038.6(APC):c.1228T>G (p.Leu410Val)

Gene: APC (APC regulator of Wnt signaling pathway; plus strand). Cytogenetic location: 5q22.2.
Variant type: single nucleotide variant.
Coding change: c.1228T>G on transcript NM_000038.6 (MANE Select); coding-DNA position 1228, T replaced by G.
Protein change: p.Leu410Val; replaces leucine 410 with valine.
Molecular consequence: missense variant. On other transcripts: non-coding transcript variant (2), intron variant (15).
Genome position (GRCh38, 1-based): chr5:112,819,260, T>G. VCF-style: chr5-112819260-T-G. GRCh37 (hg19) VCF-style: chr5-112154957-T-G.
Other names: c.1228T>G, p.Leu410Val (NM_001127510.3, NM_001354895.2, NM_001354896.2 and 4 more transcripts); c.1174T>G, p.Leu392Val (NM_001127511.3); c.1258T>G, p.Leu420Val (NM_001354897.2, NM_001407446.1); c.1153T>G, p.Leu385Val (NM_001354898.2, NM_001407451.1); c.1144T>G, p.Leu382Val (NM_001354899.2, NM_001407452.1); c.1051T>G, p.Leu351Val (NM_001354900.2, NM_001354901.2, NM_001407453.1); c.379T>G, p.Leu127Val (NM_001354906.2, NM_001407470.1); c.85-9T>G (NM_001407472.1, NM_001407471.1); and 5 more; short protein forms L127V, L351V, L382V, L385V, L392V, L410V, L420V.
Identifiers: ClinVar variation 4860987 (VCV004860987.1).
Genomic context (GRCh38, chr5:112,819,260, plus strand): 5'-ATCATTCACTCACAGCCTGATGACAAGAGAGGCAGGCGTGAAATCCGAGTCCTTCATCTT[T>G]TGGAACAGATACGCGCTTACTGTGAAACCTGTTGGGAGTGGCAGGAAGCTCATGAACCAG-3'
Protein context (NP_000029.2, residues 400-420): GRREIRVLHL[Leu410Val]EQIRAYCETC

ClinVar aggregate classification (germline): Uncertain significance (1 of 4 stars; one submission).

Conditions:
Hereditary cancer-predisposing syndrome. Also called: Neoplastic Syndromes, Hereditary; Tumor predisposition; Hereditary Cancer Syndrome; Hereditary neoplastic syndrome. Identifiers: Orphanet 140162, MedGen C0027672, MeSH D009386, MONDO:0015356.

Submission:

Ambry Genetics
Classification: Uncertain significance for Hereditary cancer-predisposing syndrome. Last evaluated: 2026-03-31. Review status: criteria provided, single submitter. Criteria: Ambry Variant Classification Scheme 2023. Collection method: clinical testing. Allele origin: germline.
Comment: The p.L410V variant (also known as c.1228T>G), located in coding exon 9 of the APC gene, results from a T to G substitution at nucleotide position 1228. The leucine at codon 410 is replaced by valine, an amino acid with highly similar properties. This amino acid position is highly conserved in available vertebrate species. In addition, in silico predictors for this gene do not accurately predict pathogenicity. Missense variants in APC are not a common cause of disease (Spier I et al. Genet Med. 2024 Feb;26(2):100992). Based on the available evidence, the clinical significance of this variant remains unclear.